The following is an entry in ClinVar:

ClinVar aggregate classification (germline): Conflicting classifications of pathogenicity. Review status: criteria provided, conflicting classifications (1 of 4 stars). 5 submissions from 5 submitters: Uncertain significance (2); Likely benign (2). 1 of the submissions does not count toward it. Last evaluated 2025-11-11.

Conditions:
Inborn genetic diseases. Identifiers: MedGen C0950123, MeSH D030342.
Charcot-Marie-Tooth disease axonal type 2O. Also called: Charcot-Marie-Tooth Neuropathy Type 2O; CHARCOT-MARIE-TOOTH NEUROPATHY, AXONAL, TYPE 2O; CHARCOT-MARIE-TOOTH DISEASE, AXONAL, AUTOSOMAL DOMINANT, TYPE 2O; Charcot-Marie-Tooth disease, axonal, type 20. Identifiers: Orphanet 284232, MedGen C3280220, MONDO:0013644, OMIM 614228.
Intellectual disability. Also called: Intellectual functioning disability; intellectual disabilities; Intellectual developmental disorder. Identifiers: MedGen C3714756, MeSH D008607, MONDO:0001071, HP:0001249.

Allele frequency attached by ClinVar (database versions not stated): ESP Exome Variant Server 0.00008; ExAC 0.00002; gnomAD exomes 0.00002; gnomAD 0.00003; TOPMed 0.00003.
gnomAD v4.1: 77 of 1,614,130 alleles (0.0048%); highest among the groups gnomAD compares: East Asian, 0.0067%; no homozygotes.

Submissions (5):

Labcorp Genetics (formerly Invitae), Labcorp
Classification: Likely benign for Charcot-Marie-Tooth disease axonal type 2O. Last evaluated: 2025-11-11. Review status: criteria provided, single submitter. Criteria: Invitae Variant Classification Sherloc (09022015). Collection method: clinical testing. Allele origin: germline.

CeGaT Center for Human Genetics Tuebingen
Classification: Uncertain significance. Last evaluated: 2022-10-01. Review status: criteria provided, single submitter. Criteria: CeGaT Center For Human Genetics Tuebingen Variant Classification Criteria Version 2. Collection method: clinical testing. Allele origin: germline. Affected: yes. Observed: 1 variant allele.
Comment: DYNC1H1: PP2, BP4

Ambry Genetics
Classification: Uncertain significance for Inborn genetic diseases. Last evaluated: 2022-05-04. Review status: criteria provided, single submitter. Criteria: Ambry Variant Classification Scheme 2023. Collection method: clinical testing. Allele origin: germline.
Comment: The p.I1733V variant (also known as c.5197A>G), located in coding exon 25 of the DYNC1H1 gene, results from an A to G substitution at nucleotide position 5197. The isoleucine at codon 1733 is replaced by valine, an amino acid with highly similar properties. This amino acid position is well conserved in available vertebrate species. In addition, this alteration is predicted to be tolerated by in silico analysis. Since supporting evidence is limited at this time, the clinical significance of this alteration remains unclear.

GeneDx
Classification: Likely benign. Last evaluated: 2021-05-10. Review status: criteria provided, single submitter. Criteria: GeneDx Variant Classification Process June 2021. Collection method: clinical testing. Allele origin: germline. Affected: yes.

Centre de Biologie Pathologie Génétique, Centre Hospitalier Universitaire de Lille
Classification: Likely benign for Intellectual disability. Last evaluated: 2019-01-01. Review status: no assertion criteria provided. Collection method: clinical testing. Allele origin: inherited. Affected: yes. Not counted in ClinVar's aggregate classification.

NM_001376.5(DYNC1H1):c.5197A>G (p.Ile1733Val)

Gene: DYNC1H1 (dynein cytoplasmic 1 heavy chain 1; plus strand). Cytogenetic location: 14q32.31.
Variant type: single nucleotide variant.
Coding change: c.5197A>G on transcript NM_001376.5 (MANE Select); coding-DNA position 5197, A replaced by G.
Protein change: p.Ile1733Val; replaces isoleucine 1733 with valine.
Molecular consequence: missense variant.
Genome position (GRCh38, 1-based): chr14:102,004,909, A>G. VCF-style: chr14-102004909-A-G. GRCh37 (hg19) VCF-style: chr14-102471246-A-G.
Other names: short protein forms I1733V.
Identifiers: ClinVar variation 539777 (VCV000539777.37), dbSNP rs138287354, ClinGen allele CA7352363.